The following is an entry in ClinVar:

ClinVar aggregate classification (germline): Uncertain significance (1 of 4 stars; one submission).

Allele frequency attached by ClinVar (database versions not stated): gnomAD exomes below 0.00001; TOPMed below 0.00001.
gnomAD v4.1: 6 of 1,614,148 alleles (0.00037%); highest among the groups gnomAD compares: Non-Finnish European, 0.00051%; no homozygotes.

Submission:

Labcorp Genetics (formerly Invitae), Labcorp
Classification: Uncertain significance. Last evaluated: 2023-07-17. Review status: criteria provided, single submitter. Criteria: Invitae Variant Classification Sherloc (09022015). Collection method: clinical testing. Allele origin: germline.
Comment: In summary, the available evidence is currently insufficient to determine the role of this variant in disease. Therefore, it has been classified as a Variant of Uncertain Significance. Algorithms developed to predict the effect of sequence changes on RNA splicing suggest that this variant may disrupt the consensus splice site. An algorithm developed to predict the effect of missense changes on protein structure and function (PolyPhen-2) suggests that this variant is likely to be disruptive. This variant has not been reported in the literature in individuals affected with COL4A2-related conditions. This variant is not present in population databases (gnomAD no frequency). This sequence change replaces proline, which is neutral and non-polar, with leucine, which is neutral and non-polar, at codon 1211 of the COL4A2 protein (p.Pro1211Leu).

NM_001846.4(COL4A2):c.3632C>T (p.Pro1211Leu)

Gene: COL4A2 (collagen type IV alpha 2 chain; plus strand). Cytogenetic location: 13q34.
Variant type: single nucleotide variant.
Coding change: c.3632C>T on transcript NM_001846.4 (MANE Select); coding-DNA position 3632, C replaced by T.
Protein change: p.Pro1211Leu; replaces proline 1211 with leucine.
Molecular consequence: missense variant.
Genome position (GRCh38, 1-based): chr13:110,493,280, C>T. VCF-style: chr13-110493280-C-T. GRCh37 (hg19) VCF-style: chr13-111145627-C-T.
Other names: short protein forms P1211L.
Identifiers: ClinVar variation 2993827 (VCV002993827.3), dbSNP rs1883349875, ClinGen allele CA388733045.